The following is an entry in ClinVar:

ClinVar aggregate classification (germline): Uncertain significance. Review status: criteria provided, multiple submitters, no conflicts (2 of 4 stars). 2 submissions from 2 submitters: Uncertain significance (2). Last evaluated 2025-05-27.

Conditions:
Congenital muscular dystrophy due to integrin alpha-7 deficiency. Also called: MYOPATHY, CONGENITAL, DUE TO INTEGRIN ALPHA-7 DEFICIENCY; Congenital muscular dystrophy with integrin alpha-7 deficiency; Muscular dystrophy, congenital, due to ITGA7 deficiency. Identifiers: Orphanet 34520, MedGen C2750786, MONDO:0013177, OMIM 613204.

gnomAD v4.1: 8 of 1,614,158 alleles (0.0005%); highest among the groups gnomAD compares: South Asian, 0.0033%; no homozygotes.

Submissions (2):

Revvity Omics, Revvity
Classification: Uncertain significance for Congenital muscular dystrophy due to integrin alpha-7 deficiency. Last evaluated: 2025-05-27. Review status: criteria provided, single submitter. Criteria: ACMG Guidelines, 2015. Collection method: clinical testing. Allele origin: germline.

Labcorp Genetics (formerly Invitae), Labcorp
Classification: Uncertain significance for Congenital muscular dystrophy due to integrin alpha-7 deficiency. Last evaluated: 2024-01-25. Review status: criteria provided, single submitter. Criteria: Invitae Variant Classification Sherloc (09022015). Collection method: clinical testing. Allele origin: germline.
Comment: This sequence change replaces isoleucine, which is neutral and non-polar, with valine, which is neutral and non-polar, at codon 1008 of the ITGA7 protein (p.Ile1008Val). This variant is present in population databases (no rsID available, gnomAD 0.003%). This variant has not been reported in the literature in individuals affected with ITGA7-related conditions. Advanced modeling of protein sequence and biophysical properties (such as structural, functional, and spatial information, amino acid conservation, physicochemical variation, residue mobility, and thermodynamic stability) performed at Invitae indicates that this missense variant is not expected to disrupt ITGA7 protein function with a negative predictive value of 80%. In summary, the available evidence is currently insufficient to determine the role of this variant in disease. Therefore, it has been classified as a Variant of Uncertain Significance.

NM_002206.3(ITGA7):c.3022A>G (p.Ile1008Val)

Gene: ITGA7 (integrin subunit alpha 7; minus strand). Cytogenetic location: 12q13.2.
Variant type: single nucleotide variant.
Coding change: c.3022A>G on transcript NM_002206.3 (MANE Select); coding-DNA position 3022, A replaced by G.
Protein change: p.Ile1008Val; replaces isoleucine 1008 with valine.
Molecular consequence: missense variant.
Genome position (GRCh38, 1-based): chr12:55,688,237, T>C on the plus strand (A>G on the coding strand, the complement: ITGA7 is on the minus strand). VCF-style: chr12-55688237-T-C. GRCh37 (hg19) VCF-style: chr12-56082021-T-C.
Other names: c.3034A>G, p.Ile1012Val (NM_001144996.2); c.2743A>G, p.Ile915Val (NM_001144997.2); c.2695A>G, p.Ile899Val (NM_001367993.1); c.1678A>G, p.Ile560Val (NM_001367994.1); c.3004A>G, p.Ile1002Val (NM_001374465.1); c.3154A>G, p.Ile1052Val (NM_001410977.1); c.3016A>G, p.Ile1006Val (NM_001414029.1); c.2947A>G, p.Ile983Val (NM_001414030.1); and 5 more; short protein forms I1002V, I1012V, I1052V, I915V, I933V, I1006V, I560V, I895V.
Identifiers: ClinVar variation 3697098 (VCV003697098.3).